The following is an entry in ClinVar:

ClinVar aggregate classification (germline): Uncertain significance (1 of 4 stars; one submission).

Submission:

GeneDx
Classification: Uncertain significance. Last evaluated: 2026-04-20. Review status: criteria provided, single submitter. Criteria: GeneDx Variant Classification Process June 2021. Collection method: clinical testing. Allele origin: germline.
Comment: In silico analysis supports that this missense variant has a deleterious effect on protein structure/function; Has not been previously published as pathogenic or benign to our knowledge

NM_016929.5(CLIC5):c.742C>T (p.Leu248Phe)

Gene: CLIC5 (CLIC family member 5; minus strand). Cytogenetic location: 6p21.1.
Variant type: single nucleotide variant.
Coding change: c.742C>T on transcript NM_016929.5 (MANE Select); coding-DNA position 742, C replaced by T.
Protein change: p.Leu248Phe; replaces leucine 248 with phenylalanine.
Molecular consequence: missense variant. On other transcripts: non-coding transcript variant (2).
Genome position (GRCh38, 1-based): chr6:45,903,102, G>A on the plus strand (C>T on the coding strand, the complement: CLIC5 is on the minus strand). VCF-style: chr6-45903102-G-A. GRCh37 (hg19) VCF-style: chr6-45870839-G-A.
Other names: c.1219C>T, p.Leu407Phe (NM_001114086.2, NM_001370650.1); c.625C>T, p.Leu209Phe (NM_001370649.1); short protein forms L209F, L248F, L407F.
Identifiers: ClinVar variation 5037163 (VCV005037163.1).